The following is an entry in ClinVar:

ClinVar aggregate classification (germline): Pathogenic/Likely pathogenic. Review status: criteria provided, multiple submitters, no conflicts (2 of 4 stars). 3 submissions from 3 submitters: Pathogenic (1); Likely pathogenic (2). Last evaluated 2025-07-08.

Conditions:
Spinocerebellar ataxia 48. Identifiers: Orphanet 631103, MedGen C4748158, MONDO:0032526, OMIM 618093.

Submissions (3):

OLLIN Analises Genomicas, OLLIN
Classification: Likely pathogenic for Spinocerebellar ataxia 48. Last evaluated: 2025-07-08. Review status: criteria provided, single submitter. Criteria: ACMG Guidelines 2015 PMID 25741868. Collection method: clinical testing. Allele origin: germline. Affected: yes. Observed: 1 variant allele.
Comment: The nonsense variant (chr16:682406C>T), located in exon 7 (of 7), is not reported in the gnomAD v4.1 non-UKB databases and was not found in the scientific literature. However, it is reported in the ClinVar database (VCV001683911.8). This variant introduces a premature stop codon and, although it is predicted not to result in mRNA degradation via NMD, there is another demonstrably pathogenic variant in the same region (PMID: 34565360, 34906452). According to the currently available evidence, this variant has been classified as likely pathogenic (PVS1, PM2_P).

Labcorp Genetics (formerly Invitae), Labcorp
Classification: Pathogenic. Last evaluated: 2025-01-15. Review status: criteria provided, single submitter. Criteria: Invitae Variant Classification Sherloc (09022015). Collection method: clinical testing. Allele origin: germline.
Comment: This sequence change creates a premature translational stop signal (p.Gln277*) in the STUB1 gene. While this is not anticipated to result in nonsense mediated decay, it is expected to disrupt the last 27 amino acid(s) of the STUB1 protein. This variant is not present in population databases (gnomAD no frequency). This variant has not been reported in the literature in individuals affected with STUB1-related conditions. ClinVar contains an entry for this variant (Variation ID: 1683911). Experimental studies and prediction algorithms are not available or were not evaluated, and the functional significance of this variant is currently unknown. Algorithms developed to predict the effect of sequence changes on RNA splicing suggest that this variant may disrupt the consensus splice site. This variant disrupts a region of the STUB1 protein in which other variant(s) (p.Glu278Asnfs*9) have been determined to be pathogenic (PMID: 34565360, 34906452). This suggests that this is a clinically significant region of the protein, and that variants that disrupt it are likely to be disease-causing. For these reasons, this variant has been classified as Pathogenic.

GeneDx
Classification: Likely pathogenic. Last evaluated: 2024-07-23. Review status: criteria provided, single submitter. Criteria: GeneDx Variant Classification Process June 2021. Collection method: clinical testing. Allele origin: germline. Affected: yes.
Comment: Not observed at significant frequency in large population cohorts (gnomAD); Nonsense variant predicted to result in protein truncation, as the last 27 amino acids are lost, and other loss-of-function variants have been reported downstream in HGMD; Has not been previously published as pathogenic or benign to our knowledge

Literature cited by the submitters: PubMed 34565360 (cited by OLLIN Analises Genomicas, OLLIN and Labcorp Genetics (formerly Invitae), Labcorp); PubMed 34906452 (cited by OLLIN Analises Genomicas, OLLIN and Labcorp Genetics (formerly Invitae), Labcorp).

NM_005861.4(STUB1):c.829C>T (p.Gln277Ter)

Genes: JMJD8 (jumonji domain containing 8; minus strand), STUB1 (STIP1 homology and U-box containing protein 1; plus strand). Cytogenetic location: 16p13.3.
Variant type: single nucleotide variant.
Coding change: c.829C>T on transcript NM_005861.4 (MANE Select); coding-DNA position 829, C replaced by T.
Protein change: p.Gln277Ter; replaces glutamine 277 with a stop codon.
Molecular consequence: nonsense. On other transcripts: 3 prime UTR variant (5), non-coding transcript variant (3).
Genome position (GRCh38, 1-based): chr16:682,406, C>T. VCF-style: chr16-682406-C-T. GRCh37 (hg19) VCF-style: chr16-732406-C-T.
Other names: c.613C>T, p.Gln205Ter (NM_001293197.2); c.*388G>A (NM_001005920.4, NM_001323919.3, NM_001323920.3); c.*422G>A (NM_001323918.3, NM_001323922.3); short protein forms Q205*, Q277*.
Identifiers: ClinVar variation 1683911 (VCV001683911.9), dbSNP rs2151507113, ClinGen allele CA394114562.